The following is an entry in ClinVar:

NM_004260.4(RECQL4):c.2461C>T (p.Gln821Ter)

Gene: RECQL4 (RecQ like helicase 4; minus strand). Cytogenetic location: 8q24.3.
Variant type: single nucleotide variant.
Coding change: c.2461C>T on transcript NM_004260.4 (MANE Select); coding-DNA position 2461, C replaced by T.
Protein change: p.Gln821Ter; replaces glutamine 821 with a stop codon.
Molecular consequence: nonsense.
Genome position (GRCh38, 1-based): chr8:144,513,220, G>A on the plus strand (C>T on the coding strand, the complement: RECQL4 is on the minus strand). VCF-style: chr8-144513220-G-A. GRCh37 (hg19) VCF-style: chr8-145738603-G-A.
Other names: short protein forms Q821*.
Identifiers: ClinVar variation 1452207 (VCV001452207.6), dbSNP rs1827595485, ClinGen allele CA372677855.

ClinVar aggregate classification (germline): Pathogenic (1 of 4 stars; one submission).

Conditions:
Baller-Gerold syndrome (BGS). Also called: CRANIOSYNOSTOSIS WITH RADIAL DEFECTS. Identifiers: Orphanet 1225, MedGen C0265308, MONDO:0009039, OMIM 218600.

Submission:

Labcorp Genetics (formerly Invitae), Labcorp
Classification: Pathogenic for Baller-Gerold syndrome. Last evaluated: 2021-10-23. Review status: criteria provided, single submitter. Criteria: Invitae Variant Classification Sherloc (09022015). Collection method: clinical testing. Allele origin: germline.
Comment: This sequence change creates a premature translational stop signal (p.Gln821*) in the RECQL4 gene. It is expected to result in an absent or disrupted protein product. Loss-of-function variants in RECQL4 are known to be pathogenic (PMID: 12734318, 12952869). This variant is not present in population databases (gnomAD no frequency). This premature translational stop signal has been observed in individual(s) with Rothmund–Thomson syndrome (PMID: 18716613). For these reasons, this variant has been classified as Pathogenic.

Literature cited by the submitters: PubMed 12734318; PubMed 12952869; PubMed 18716613.